The following is an entry in ClinVar:

NM_002691.4(POLD1):c.1038G>A (p.Glu346=)

Gene: POLD1 (DNA polymerase delta 1, catalytic subunit; plus strand). Cytogenetic location: 19q13.33.
Variant type: single nucleotide variant.
Coding change: c.1038G>A on transcript NM_002691.4 (MANE Select); coding-DNA position 1038, G replaced by A.
Protein change: p.Glu346=; no amino-acid change (glutamic acid 346 retained).
Molecular consequence: synonymous variant. On other transcripts: non-coding transcript variant (1).
Genome position (GRCh38, 1-based): chr19:50,403,120, G>A. VCF-style: chr19-50403120-G-A. GRCh37 (hg19) VCF-style: chr19-50906377-G-A.
Other names: c.1038G>A, p.Glu346= (NM_001256849.1, NM_001308632.1); c.1038G>A (NM_002691.2).
Identifiers: ClinVar variation 1531330 (VCV001531330.10), dbSNP rs2122269479, ClinGen allele CA508182570.

ClinVar aggregate classification (germline): Benign/Likely benign. Review status: criteria provided, multiple submitters, no conflicts (2 of 4 stars). 3 submissions from 3 submitters: Benign (1); Likely benign (2). Last evaluated 2026-04-16.

Conditions:
Hereditary cancer-predisposing syndrome. Also called: Neoplastic Syndromes, Hereditary; Tumor predisposition; Hereditary Cancer Syndrome; Hereditary neoplastic syndrome. Identifiers: Orphanet 140162, MedGen C0027672, MeSH D009386, MONDO:0015356.
POLD1-related polyposis and colorectal cancer syndrome (CRCS10). Also called: Colorectal cancer 10; COLORECTAL CANCER, SUSCEPTIBILITY TO, ON CHROMOSOME 19q; Colorectal cancer, susceptibility to, 10. Identifiers: Orphanet 220460, MedGen C2675481, MONDO:0012953, OMIM 612591.

Submissions (3):

Ambry Genetics
Classification: Likely benign for Hereditary cancer-predisposing syndrome. Last evaluated: 2026-04-16. Review status: criteria provided, single submitter. Criteria: Ambry Variant Classification Scheme 2023. Collection method: clinical testing. Allele origin: germline.

Myriad Genetics, Inc.
Classification: Benign for POLD1-related polyposis and colorectal cancer syndrome. Last evaluated: 2025-02-05. Review status: criteria provided, single submitter. Criteria: Myriad Autosomal Dominant, Autosomal Recessive and X-Linked Classification Criteria (2023). Collection method: clinical testing. Allele origin: unknown.
Comment: This variant is considered benign. This variant is a silent/synonymous amino acid change and it is not expected to impact splicing.

Labcorp Genetics (formerly Invitae), Labcorp
Classification: Likely benign for POLD1-related polyposis and colorectal cancer syndrome. Last evaluated: 2024-11-05. Review status: criteria provided, single submitter. Criteria: Invitae Variant Classification Sherloc (09022015). Collection method: clinical testing. Allele origin: germline.